The following is an entry in ClinVar:

ClinVar aggregate classification (germline): Uncertain significance. Review status: criteria provided, multiple submitters, no conflicts (2 of 4 stars). 2 submissions from 2 submitters: Uncertain significance (2). Last evaluated 2025-03-04.

Conditions:
Hereditary cancer-predisposing syndrome. Also called: Hereditary Cancer Syndrome; Neoplastic Syndromes, Hereditary; Tumor predisposition; Hereditary neoplastic syndrome. Identifiers: Orphanet 140162, MedGen C0027672, MeSH D009386, MONDO:0015356.

Allele frequency attached by ClinVar (database versions not stated): gnomAD exomes below 0.00001; ExAC 0.00005.

Submissions (2):

Center for Genomic Medicine, Rigshospitalet, Copenhagen University Hospital
Classification: Uncertain significance. Last evaluated: 2025-03-04. Review status: criteria provided, single submitter. Criteria: ACMG Guidelines, 2015. Collection method: clinical testing. Allele origin: germline.

Ambry Genetics
Classification: Uncertain significance for Hereditary cancer-predisposing syndrome. Last evaluated: 2021-12-03. Review status: criteria provided, single submitter. Criteria: Ambry Variant Classification Scheme 2023. Collection method: clinical testing. Allele origin: germline.
Comment: The p.V17F variant (also known as c.49G>T) is located in coding exon 2 of the CDH1 gene. The valine at codon 17 is replaced by phenylalanine, an amino acid with highly similar properties. This alteration has been reported in a symptomatic patient whose total gastrectomy specimen showed poorly differentiated signet ring cell cancer of the stomach (Chen Y et al. Ann Surg Oncol, 2011 Sep;18:2594-8). This amino acid position is well conserved in available vertebrate species. In addition, this alteration is predicted to be tolerated by in silico analysis. Since supporting evidence is limited at this time, the clinical significance of this alteration remains unclear.

Literature cited by the submitters: PubMed 21424370 (cited by Center for Genomic Medicine, Rigshospitalet, Copenhagen University Hospital and Ambry Genetics).

NM_004360.5(CDH1):c.49G>T (p.Val17Phe)

Gene: CDH1 (cadherin 1; plus strand). Cytogenetic location: 16q22.1.
Variant type: single nucleotide variant.
Coding change: c.49G>T on transcript NM_004360.5 (MANE Select); coding-DNA position 49, G replaced by T.
Protein change: p.Val17Phe; replaces valine 17 with phenylalanine.
Molecular consequence: missense variant. On other transcripts: 5 prime UTR variant (2).
Genome position (GRCh38, 1-based): chr16:68,738,297, G>T. VCF-style: chr16-68738297-G-T. GRCh37 (hg19) VCF-style: chr16-68772200-G-T.
Other names: c.49G>T, p.Val17Phe (NM_001317184.2); c.-1567G>T (NM_001317185.2); c.-1771G>T (NM_001317186.2); short protein forms V17F.
Identifiers: ClinVar variation 1744673 (VCV001744673.4), dbSNP rs780470521, ClinGen allele CA8129793.